The following is an entry in ClinVar:

ClinVar aggregate classification (germline): Pathogenic (1 of 4 stars; one submission).

gnomAD v4.1: 11 of 1,613,302 alleles (0.00068%); highest among the groups gnomAD compares: African/African-American, 0.015%; no homozygotes.

Submission:

Labcorp Genetics (formerly Invitae), Labcorp
Classification: Pathogenic. Last evaluated: 2024-05-16. Review status: criteria provided, single submitter. Criteria: Invitae Variant Classification Sherloc (09022015). Collection method: clinical testing. Allele origin: germline.
Comment: This sequence change creates a premature translational stop signal (p.Trp384*) in the PIGB gene. It is expected to result in an absent or disrupted protein product. Loss-of-function variants in PIGB are known to be pathogenic (PMID: 31256876, 34400385). This variant is present in population databases (no rsID available, gnomAD 0.02%). This variant has not been reported in the literature in individuals affected with PIGB-related conditions. Algorithms developed to predict the effect of sequence changes on RNA splicing suggest that this variant may disrupt the consensus splice site. For these reasons, this variant has been classified as Pathogenic.

Literature cited by the submitters: PubMed 31256876; PubMed 34400385.

NM_004855.5(PIGB):c.1152G>A (p.Trp384Ter)

Gene: PIGB (phosphatidylinositol glycan anchor biosynthesis class B; plus strand). Cytogenetic location: 15q21.3.
Variant type: single nucleotide variant.
Coding change: c.1152G>A on transcript NM_004855.5 (MANE Select); coding-DNA position 1152, G replaced by A.
Protein change: p.Trp384Ter; replaces tryptophan 384 with a stop codon.
Molecular consequence: nonsense.
Genome position (GRCh38, 1-based): chr15:55,350,727, G>A. VCF-style: chr15-55350727-G-A. GRCh37 (hg19) VCF-style: chr15-55642925-G-A.
Other names: short protein forms W384*.
Identifiers: ClinVar variation 3699577 (VCV003699577.1).
Genomic context (GRCh38, chr15:55,350,727, plus strand): 5'-TGTTAAGGTTCAATATGTCTATCTTCATATAGGATACTCATTAACCCACCTGAAAACATG[G>A]AAGAAACCAGCTCTAAGTTTCCTGTTTTTATCAAATTTGTTCCTCGCCCTTTATACTGGT-3'